The following is an entry in ClinVar:

NM_000097.7(CPOX):c.1204G>A (p.Gly402Ser)

Gene: CPOX (coproporphyrinogen oxidase; minus strand). Cytogenetic location: 3q11.2.
Variant type: single nucleotide variant.
Coding change: c.1204G>A on transcript NM_000097.7 (MANE Select); coding-DNA position 1204, G replaced by A.
Protein change: p.Gly402Ser; replaces glycine 402 with serine.
Molecular consequence: missense variant.
Genome position (GRCh38, 1-based): chr3:98,581,480, C>T on the plus strand (G>A on the coding strand, the complement: CPOX is on the minus strand). VCF-style: chr3-98581480-C-T. GRCh37 (hg19) VCF-style: chr3-98300324-C-T.
Other names: short protein forms G402S.
Identifiers: ClinVar variation 3670642 (VCV003670642.2).

ClinVar aggregate classification (germline): Uncertain significance (1 of 4 stars; one submission).

gnomAD v4.1: 1 of 1,613,710 alleles (0.000062%); highest among the groups gnomAD compares: African/African-American, 0.0013%; no homozygotes.

Submission:

Labcorp Genetics (formerly Invitae), Labcorp
Classification: Uncertain significance. Last evaluated: 2025-12-16. Review status: criteria provided, single submitter. Criteria: Invitae Variant Classification Sherloc (09022015). Collection method: clinical testing. Allele origin: germline.
Comment: This sequence change replaces glycine, which is neutral and non-polar, with serine, which is neutral and polar, at codon 402 of the CPOX protein (p.Gly402Ser). This variant is not present in population databases (gnomAD no frequency). This variant has not been reported in the literature in individuals affected with CPOX-related conditions. ClinVar contains an entry for this variant (Variation ID: 3670642). Invitae Evidence Modeling of protein sequence and biophysical properties (such as structural, functional, and spatial information, amino acid conservation, physicochemical variation, residue mobility, and thermodynamic stability) indicates that this missense variant is expected to disrupt CPOX protein function with a positive predictive value of 80%. In summary, the available evidence is currently insufficient to determine the role of this variant in disease. Therefore, it has been classified as a Variant of Uncertain Significance.